The following is an entry in ClinVar:

NM_000441.2(SLC26A4):c.2014G>A (p.Gly672Arg)

Gene: SLC26A4 (solute carrier family 26 member 4; plus strand). Cytogenetic location: 7q22.3.
Variant type: single nucleotide variant.
Coding change: c.2014G>A on transcript NM_000441.2 (MANE Select); coding-DNA position 2014, G replaced by A.
Protein change: p.Gly672Arg; replaces glycine 672 with arginine.
Molecular consequence: missense variant.
Genome position (GRCh38, 1-based): chr7:107,702,037, G>A. VCF-style: chr7-107702037-G-A. GRCh37 (hg19) VCF-style: chr7-107342482-G-A.
Other names: short protein forms G672R.
Identifiers: ClinVar variation 2735073 (VCV002735073.5), dbSNP rs2535338443, ClinGen allele CA368843826.

ClinVar aggregate classification (germline): Pathogenic/Likely pathogenic. Review status: criteria provided, multiple submitters, no conflicts (2 of 4 stars). 2 submissions from 2 submitters: Pathogenic (1); Likely pathogenic (1). Last evaluated 2023-03-26.

Conditions:
Autosomal recessive nonsyndromic hearing loss 4 (DFNB4). Also called: Nonsyndromic enlarged vestibular aqueduct (NSEVA); Deafness, autosomal recessive 4, with enlarged vestibular aqueduct; FOXI1-Related Pendred Syndrome; KCNJ10-Related Pendred Syndrome; DEAFNESS, AUTOSOMAL RECESSIVE 4, WITH ENLARGED VESTIBULAR AQUEDUCT, DIGENIC; NEUROSENSORY NONSYNDROMIC RECESSIVE DEAFNESS 4. Identifiers: Orphanet 90636, MedGen C3538946, MONDO:0010933, OMIM 600791.
Pendred syndrome (PDS). Also called: THYROID DYSHORMONOGENESIS 2B; THYROID HORMONOGENESIS, GENETIC DEFECT IN, 2B; Pendred's syndrome; Pendred Syndrome (PDS); DEAFNESS WITH GOITER; GOITER-DEAFNESS SYNDROME. Identifiers: Orphanet 705, MedGen C0271829, MONDO:0010134, OMIM 274600.

Submissions (2):

Labcorp Genetics (formerly Invitae), Labcorp
Classification: Pathogenic. Last evaluated: 2023-03-26. Review status: criteria provided, single submitter. Criteria: Invitae Variant Classification Sherloc (09022015). Collection method: clinical testing. Allele origin: germline.
Comment: This variant disrupts the p.Gly672 amino acid residue in SLC26A4. Other variant(s) that disrupt this residue have been determined to be pathogenic (PMID: 9618167, 11317356, 21366435). This suggests that this residue is clinically significant, and that variants that disrupt this residue are likely to be disease-causing. For these reasons, this variant has been classified as Pathogenic. Advanced modeling of protein sequence and biophysical properties (such as structural, functional, and spatial information, amino acid conservation, physicochemical variation, residue mobility, and thermodynamic stability) performed at Invitae indicates that this missense variant is expected to disrupt SLC26A4 protein function. This missense change has been observed in individual(s) with clinical features of Pendred syndrome (PMID: 25266519, 25372295, 34170635). In at least one individual the data is consistent with being in trans (on the opposite chromosome) from a pathogenic variant. This variant is not present in population databases (gnomAD no frequency). This sequence change replaces glycine, which is neutral and non-polar, with arginine, which is basic and polar, at codon 672 of the SLC26A4 protein (p.Gly672Arg).

Juno Genomics, Hangzhou Juno Genomics, Inc
Classification: Likely pathogenic for Autosomal recessive nonsyndromic hearing loss 4; Pendred syndrome. Review status: criteria provided, single submitter. Criteria: ACMG Guidelines, 2015. Collection method: clinical testing. Allele origin: germline.
Comment: Absent from controls (or at extremely low frequency if recessive) in Genome Aggregation Database.;Multiple lines of computational evidence support a deleterious effect on the gene or gene product.;For recessive disorders, detected in trans with a pathogenic variant.;Patient's phenotype or family history is highly specific for a disease with a single genetic etiology.

Literature cited by the submitters: PubMed 9618167 (cited by Labcorp Genetics (formerly Invitae), Labcorp); PubMed 11317356 (cited by Labcorp Genetics (formerly Invitae), Labcorp); PubMed 21366435 (cited by Labcorp Genetics (formerly Invitae), Labcorp); PubMed 25266519 (cited by Labcorp Genetics (formerly Invitae), Labcorp); PubMed 25372295 (cited by Labcorp Genetics (formerly Invitae), Labcorp); PubMed 34170635 (cited by Labcorp Genetics (formerly Invitae), Labcorp).